The following is an entry in ClinVar:

ClinVar aggregate classification (germline): Uncertain significance. Review status: criteria provided, multiple submitters, no conflicts (2 of 4 stars). 3 submissions from 3 submitters: Uncertain significance (3). Last evaluated 2024-12-03.

Conditions:
Inborn genetic diseases. Identifiers: MedGen C0950123, MeSH D030342.
Bethlem myopathy 1A. Also called: MYOPATHY, BENIGN CONGENITAL, WITH CONTRACTURES; Bethlem Muscular Dystrophy; Bethlem myopathy 1. Identifiers: Orphanet 610, MedGen CN029274, MONDO:0024530, OMIM 158810.

Allele frequency attached by ClinVar (database versions not stated): gnomAD exomes 0.00001.
gnomAD v4.1: 15 of 1,612,802 alleles (0.00093%); highest among the groups gnomAD compares: Non-Finnish European, 0.0013%; no homozygotes.

Submissions (3):

Ambry Genetics
Classification: Uncertain significance for Inborn genetic diseases. Last evaluated: 2024-12-03. Review status: criteria provided, single submitter. Criteria: Ambry Variant Classification Scheme 2023. Collection method: clinical testing. Allele origin: germline.

Labcorp Genetics (formerly Invitae), Labcorp
Classification: Uncertain significance for Bethlem myopathy 1A. Last evaluated: 2024-07-04. Review status: criteria provided, single submitter. Criteria: Invitae Variant Classification Sherloc (09022015). Collection method: clinical testing. Allele origin: germline.
Comment: This sequence change replaces isoleucine, which is neutral and non-polar, with valine, which is neutral and non-polar, at codon 339 of the COL6A2 protein (p.Ile339Val). This variant is not present in population databases (gnomAD no frequency). This variant has not been reported in the literature in individuals affected with COL6A2-related conditions. ClinVar contains an entry for this variant (Variation ID: 1198434). Advanced modeling of protein sequence and biophysical properties (such as structural, functional, and spatial information, amino acid conservation, physicochemical variation, residue mobility, and thermodynamic stability) performed at Invitae indicates that this missense variant is not expected to disrupt COL6A2 protein function with a negative predictive value of 80%. In summary, the available evidence is currently insufficient to determine the role of this variant in disease. Therefore, it has been classified as a Variant of Uncertain Significance.

GeneDx
Classification: Uncertain significance. Last evaluated: 2019-03-06. Review status: criteria provided, single submitter. Criteria: GeneDx Variant Classification Process June 2021. Collection method: clinical testing. Allele origin: germline. Affected: yes.
Comment: Not observed in large population cohorts (Lek et al., 2016); In silico analysis, which includes protein predictors and evolutionary conservation, supports that this variant does not alter protein structure/function; Has not been previously published as pathogenic or benign to our knowledge

NM_001849.4(COL6A2):c.1015A>G (p.Ile339Val)

Gene: COL6A2 (collagen type VI alpha 2 chain; plus strand). Cytogenetic location: 21q22.3.
Variant type: single nucleotide variant.
Coding change: c.1015A>G on transcript NM_001849.4 (MANE Select); coding-DNA position 1015, A replaced by G.
Protein change: p.Ile339Val; replaces isoleucine 339 with valine.
Molecular consequence: missense variant.
Genome position (GRCh38, 1-based): chr21:46,117,415, A>G. VCF-style: chr21-46117415-A-G. GRCh37 (hg19) VCF-style: chr21-47537329-A-G.
Other names: c.1015A>G, p.Ile339Val (NM_058174.3, NM_058175.3); short protein forms I339V.
Identifiers: ClinVar variation 1198434 (VCV001198434.5), dbSNP rs2123631317, ClinGen allele CA410527327.